The following is an entry in ClinVar:

ClinVar aggregate classification (germline): Pathogenic (1 of 4 stars; one submission).

Conditions:
Developmental and epileptic encephalopathy, 25 (DEE25). Also called: Developmental and epileptic encephalopathy 25, with amelogenesis imperfecta; Epileptic encephalopathy, early infantile, 25, with amelogenesis imperfecta; Epileptic encephalopathy, early infantile, 25. Identifiers: Orphanet 442835, MedGen C4014621, MONDO:0014392, OMIM 615905.

Submission:

Broad Center for Mendelian Genomics, Broad Institute of MIT and Harvard
Classification: Pathogenic for Developmental and epileptic encephalopathy, 25. Last evaluated: 2023-08-24. Review status: criteria provided, single submitter. Criteria: ACMG/ClinGen CNV Guidelines, 2019. Collection method: research. Allele origin: unknown. Inheritance: Autosomal recessive inheritance. Affected: yes.
Comment: A homozygous deletion of exons 7-10 in SLC13A5 (NM_177550.5) was identified by exome sequencing in two siblings with developmental and epileptic encephalopathy with amelogenesis imperfecta ([GRCh 38] chr17:6690682_6696039x0). These breakpoints have been estimated by exome sequencing only and therefore may not reflect the true breakpoints. Inheritance information is unavailable. The patient phenotypes are nonspecific, but are consistent with cases described in the literature and/or published databases with overlapping variants. This intragenic variant is predicted to cause a frameshift, which alters the protein’s amino acid sequence beginning at exon 7 and leads to a premature termination codon. This alteration is then predicted to lead to a truncated or absent protein. Loss of function of SLC13A5 is an established disease mechanism in autosomal recessive developmental and epileptic encephalopathy with amelogenesis imperfecta. In summary, this variant meets criteria to be classified as pathogenic for autosomal recessive developmental and epileptic encephalopathy with amelogenesis imperfecta. The ACMG/ClinGen evidence codes and points used in this curation are as follows: 1: 0 points, 2: 0.9 points, 3: 0 points, 4-5: 0.15 points; Total: 1.05 points; Riggs 2020 (PMID: 31690835).

GRCh38/hg38 17p13.1(chr17:6690682-6696039)x0

Gene: SLC13A5 (solute carrier family 13 member 5; minus strand). Cytogenetic location: 17p13.1.
Variant type: copy number loss.
Change: copy number 0 (both copies lost) of chr17:6,690,682-6,696,039 (5.4 kb, GRCh38 coordinates, 1-based), cytogenetic band 17p13.1.
Identifiers: ClinVar variation 2579197 (VCV002579197.1).